The following is an entry in ClinVar:

NM_000186.4(CFH):c.3215G>C (p.Arg1072Thr)

Gene: CFH (complement factor H; plus strand). Cytogenetic location: 1q31.3.
Variant type: single nucleotide variant.
Coding change: c.3215G>C on transcript NM_000186.4 (MANE Select); coding-DNA position 3215, G replaced by C.
Protein change: p.Arg1072Thr; replaces arginine 1072 with threonine.
Molecular consequence: missense variant.
Genome position (GRCh38, 1-based): chr1:196,743,533, G>C. VCF-style: chr1-196743533-G-C. GRCh37 (hg19) VCF-style: chr1-196712663-G-C.
Other names: short protein forms R1072T.
Identifiers: ClinVar variation 3575623 (VCV003575623.2).

ClinVar aggregate classification (germline): Uncertain significance. Review status: criteria provided, multiple submitters, no conflicts (2 of 4 stars). 2 submissions from 2 submitters: Uncertain significance (2). Last evaluated 2025-07-22.

Conditions:
Hemolytic uremic syndrome, atypical, susceptibility to, 1. Also called: AHUS, SUSCEPTIBILITY TO, 1. Identifiers: Orphanet 2134, Orphanet 90038, MedGen C2749604, MONDO:0009335, OMIM 235400. Disease mechanism: Other.
Basal laminar drusen. Also called: DRUSEN OF BRUCH MEMBRANE; DRUSEN, CUTICULAR; DRUSEN, EARLY ADULT-ONSET, GROUPED. Identifiers: Orphanet 75376, MedGen C0730295, MONDO:0007472, OMIM 126700.
Factor H deficiency (CFHD). Also called: COMPLEMENT FACTOR H DEFICIENCY; CFH DEFICIENCY. Identifiers: Orphanet 200421, MedGen C0398777, MONDO:0012350, OMIM 609814.
Age related macular degeneration 4. Identifiers: MedGen C1853147, MONDO:0012540, OMIM 610698.

Submissions (2):

Women's Health and Genetics/Laboratory Corporation of America, LabCorp
Classification: Uncertain significance. Last evaluated: 2025-07-22. Review status: criteria provided, single submitter. Criteria: LabCorp Variant Classification Summary - May 2015. Collection method: clinical testing. Allele origin: germline.
Comment: Variant summary: CFH c.3215G>C (p.Arg1072Thr) results in a non-conservative amino acid change in the encoded protein sequence. Algorithms developed to predict the effect of missense changes on protein structure and function are either unavailable or do not agree on the potential impact of this missense change. The variant allele was found at a frequency of 4e-06 in 251444 control chromosomes. The available data on variant occurrences in the general population are insufficient to allow any conclusion about variant significance. To our knowledge, no occurrence of c.3215G>C in individuals affected with CFH-Related Disorders and no experimental evidence demonstrating its impact on protein function have been reported. ClinVar contains an entry for this variant (Variation ID: 3575623). Based on the evidence outlined above, the variant was classified as uncertain significance.

Fulgent Genetics
Classification: Uncertain significance for Basal laminar drusen; Hemolytic uremic syndrome, atypical, susceptibility to, 1; Factor H deficiency; Age related macular degeneration 4. Last evaluated: 2024-03-21. Review status: criteria provided, single submitter. Criteria: ACMG Guidelines, 2015. Collection method: clinical testing. Allele origin: germline.